The following is an entry in ClinVar:

NM_001080414.4(CCDC88C):c.4287C>T (p.Thr1429=)

Gene: CCDC88C (coiled-coil and HOOK domain protein 88C; minus strand). Cytogenetic location: 14q32.11.
Variant type: single nucleotide variant.
Coding change: c.4287C>T on transcript NM_001080414.4 (MANE Select); coding-DNA position 4287, C replaced by T.
Protein change: p.Thr1429=; no amino-acid change (threonine 1429 retained).
Molecular consequence: synonymous variant.
Genome position (GRCh38, 1-based): chr14:91,289,259, G>A on the plus strand (C>T on the coding strand, the complement: CCDC88C is on the minus strand). VCF-style: chr14-91289259-G-A. GRCh37 (hg19) VCF-style: chr14-91755603-G-A.
Other names: p.Thr1429=.
Identifiers: ClinVar variation 786750 (VCV000786750.39), dbSNP rs146028766, ClinGen allele CA7309055.
Genomic context (GRCh38, chr14:91,289,259, plus strand): 5'-CTGAGAGGCCGCCGGCGAGGCGGGGTCTGAGGACTCCAGCTGCCAGGGAGGGCTGTCCAC[G>A]GTGGATTTTAAGCGTTCCCTCGAACCCTCTTTCTTTGGTTTGATGAGTTTGACTAAGGCT-3'
Protein context (NP_001073883.2, residues 1419-1439): KEGSRERLKS[Thr1429=]VDSPPWQLES

ClinVar aggregate classification (germline): Benign/Likely benign. Review status: criteria provided, multiple submitters, no conflicts (2 of 4 stars). 8 submissions from 8 submitters: Benign (3); Likely benign (3). 2 of the submissions do not count toward it. Last evaluated 2026-06-01.

Conditions:
Spinocerebellar ataxia type 40. Identifiers: Orphanet 423275, MedGen C4518336, MONDO:0014475, OMIM 616053.
Hydrocephalus, nonsyndromic, autosomal recessive 1 (HYC1). Also called: Hydrocephalus, nonsyndromic, autosomal recessive; Congenital hydrocephalus 1. Identifiers: Orphanet 2185, MedGen C3887608, MONDO:0009360, OMIM 236600.

Allele frequency attached by ClinVar (database versions not stated): 1000 Genomes Project 30x 0.00156; 1000 Genomes Project 0.00160; gnomAD 0.00322 and 0.00326; TOPMed 0.00353; ESP Exome Variant Server 0.00411; ExAC 0.00435.
gnomAD v4.1: 6,289 of 1,614,064 alleles (0.39%); highest among the groups gnomAD compares: Admixed American, 0.52%; 25 homozygotes.

Submissions (8):

CeGaT Center for Human Genetics Tuebingen
Classification: Likely benign. Last evaluated: 2026-06-01. Review status: criteria provided, single submitter. Criteria: CeGaT Center For Human Genetics Tuebingen Variant Classification Criteria Version 2. Collection method: clinical testing. Allele origin: germline. Affected: yes. Observed: 8 variant alleles.
Comment: CCDC88C: BP4, BP7, BS2

Labcorp Genetics (formerly Invitae), Labcorp
Classification: Benign. Last evaluated: 2026-02-04. Review status: criteria provided, single submitter. Criteria: Invitae Variant Classification Sherloc (09022015). Collection method: clinical testing. Allele origin: germline.

Blueprint Genetics
Classification: Likely benign. Last evaluated: 2024-11-21. Review status: criteria provided, single submitter. Criteria: ACMG Guidelines, 2015. Collection method: clinical testing. Allele origin: germline.

Mayo Clinic Laboratories, Mayo Clinic
Classification: Benign. Last evaluated: 2023-07-07. Review status: criteria provided, single submitter. Criteria: ACMG Guidelines, 2015. Collection method: clinical testing. Allele origin: germline. Observed: 4 variant alleles.
Comment: BA1, BP4, BP7

Fulgent Genetics
Classification: Likely benign for Hydrocephalus, nonsyndromic, autosomal recessive 1; Spinocerebellar ataxia type 40. Last evaluated: 2021-10-14. Review status: criteria provided, single submitter. Criteria: ACMG Guidelines, 2015. Collection method: clinical testing. Allele origin: unknown.

Breakthrough Genomics
Classification: Benign. Review status: criteria provided, single submitter. Criteria: ACMG Guidelines, 2015. Collection method: not provided. Allele origin: germline. Inheritance: Autosomal recessive inheritance. Affected: yes.

Clinical Genetics DNA and cytogenetics Diagnostics Lab, Erasmus MC, Erasmus Medical Center
Classification: Benign. Review status: no assertion criteria provided. Collection method: clinical testing. Allele origin: germline. Affected: yes. Study: VKGL Data-share Consensus. Not counted in ClinVar's aggregate classification.

Genome Diagnostics Laboratory, University Medical Center Utrecht
Classification: Likely benign. Review status: no assertion criteria provided. Collection method: clinical testing. Allele origin: germline. Affected: yes. Study: VKGL Data-share Consensus. Not counted in ClinVar's aggregate classification.